The following is an entry in ClinVar:

NM_001367561.1(DOCK7):c.2707G>A (p.Asp903Asn)

Gene: DOCK7 (dedicator of cytokinesis 7; minus strand). Cytogenetic location: 1p31.3.
Variant type: single nucleotide variant.
Coding change: c.2707G>A on transcript NM_001367561.1 (MANE Select); coding-DNA position 2707, G replaced by A.
Protein change: p.Asp903Asn; replaces aspartic acid 903 with asparagine.
Molecular consequence: missense variant.
Genome position (GRCh38, 1-based): chr1:62,552,791, C>T on the plus strand (G>A on the coding strand, the complement: DOCK7 is on the minus strand). VCF-style: chr1-62552791-C-T. GRCh37 (hg19) VCF-style: chr1-63018462-C-T.
Other names: c.2707G>A, p.Asp903Asn (NM_001271999.2, NM_001272000.2, NM_001272001.2 and 2 more transcripts); short protein forms D903N.
Identifiers: ClinVar variation 1987686 (VCV001987686.4), dbSNP rs759007079, ClinGen allele CA886195.

ClinVar aggregate classification (germline): Uncertain significance (1 of 4 stars; one submission).

Conditions:
Developmental and epileptic encephalopathy, 23 (DEE23). Also called: Epileptic encephalopathy, early infantile, 23. Identifiers: Orphanet 411986, MedGen C4014492, MONDO:0014371, OMIM 615859.

gnomAD v4.1: 3 of 1,613,820 alleles (0.00019%); highest among the groups gnomAD compares: Admixed American, 0.0017%; no homozygotes.

Submission:

Labcorp Genetics (formerly Invitae), Labcorp
Classification: Uncertain significance for Developmental and epileptic encephalopathy, 23. Last evaluated: 2022-04-24. Review status: criteria provided, single submitter. Criteria: Invitae Variant Classification Sherloc (09022015). Collection method: clinical testing. Allele origin: germline.
Comment: In summary, the available evidence is currently insufficient to determine the role of this variant in disease. Therefore, it has been classified as a Variant of Uncertain Significance. Algorithms developed to predict the effect of missense changes on protein structure and function are either unavailable or do not agree on the potential impact of this missense change (SIFT: "Deleterious"; PolyPhen-2: "Probably Damaging"; Align-GVGD: "Class C0"). This variant has not been reported in the literature in individuals affected with DOCK7-related conditions. This variant is present in population databases (rs759007079, gnomAD 0.006%). This sequence change replaces aspartic acid, which is acidic and polar, with asparagine, which is neutral and polar, at codon 903 of the DOCK7 protein (p.Asp903Asn).